The following is an entry in ClinVar:

NM_170707.4(LMNA):c.1035G>A (p.Met345Ile)

Gene: LMNA (lamin A/C; plus strand). Cytogenetic location: 1q22.
Variant type: single nucleotide variant.
Coding change: c.1035G>A on transcript NM_170707.4 (MANE Select); coding-DNA position 1035, G replaced by A.
Protein change: p.Met345Ile; replaces methionine 345 with isoleucine.
Molecular consequence: missense variant.
Genome position (GRCh38, 1-based): chr1:156,135,999, G>A. VCF-style: chr1-156135999-G-A. GRCh37 (hg19) VCF-style: chr1-156105790-G-A.
Other names: c.699G>A, p.Met233Ile (NM_001257374.3, NM_001406998.1, NM_001406989.1); c.792G>A, p.Met264Ile (NM_001282624.2, NM_001406986.1, NM_001406987.1); c.1035G>A, p.Met345Ile (NM_001282625.2, NM_001282626.2, NM_001406992.1 and 6 more transcripts); c.477G>A, p.Met159Ile (NM_001406993.1, NM_001406995.1, NM_001406996.1 and 4 more transcripts); c.411G>A, p.Met137Ile (NM_001406994.1, NM_001406999.1, NM_001407000.1 and 1 more transcripts); c.738G>A, p.Met246Ile (NM_001406988.1); short protein forms M137I, M159I, M233I, M246I, M264I, M345I.
Identifiers: ClinVar variation 4799961 (VCV004799961.1).
Genomic context (GRCh38, chr1:156,135,999, plus strand): 5'-CTCACTGGCCCGTGAGCGGGACACCAGCCGGCGGCTGCTGGCGGAAAAGGAGCGGGAGAT[G>A]GCCGAGATGCGGGCAAGGATGCAGCAGCAGCTGGACGAGTACCAGGAGCTTCTGGACATC-3'
Protein context (NP_733821.1, residues 335-355): RRLLAEKERE[Met345Ile]AEMRARMQQQ

ClinVar aggregate classification (germline): Uncertain significance (1 of 4 stars; one submission).

Conditions:
Charcot-Marie-Tooth disease type 2. Also called: Charcot-Marie-Tooth type 2. Identifiers: Orphanet 64746, MedGen C0270914, MONDO:0018993.

Submission:

Labcorp Genetics (formerly Invitae), Labcorp
Classification: Uncertain significance for Charcot-Marie-Tooth disease type 2. Last evaluated: 2025-04-17. Review status: criteria provided, single submitter. Criteria: Invitae Variant Classification Sherloc (09022015). Collection method: clinical testing. Allele origin: germline.
Comment: This sequence change replaces methionine, which is neutral and non-polar, with isoleucine, which is neutral and non-polar, at codon 345 of the LMNA protein (p.Met345Ile). This variant is not present in population databases (gnomAD no frequency). This variant has not been reported in the literature in individuals affected with LMNA-related conditions. Invitae Evidence Modeling of protein sequence and biophysical properties (such as structural, functional, and spatial information, amino acid conservation, physicochemical variation, residue mobility, and thermodynamic stability) indicates that this missense variant is expected to disrupt LMNA protein function with a positive predictive value of 95%. In summary, the available evidence is currently insufficient to determine the role of this variant in disease. Therefore, it has been classified as a Variant of Uncertain Significance.